The following is an entry in ClinVar:

ClinVar aggregate classification (germline): Uncertain significance (1 of 4 stars; one submission).

Conditions:
Progressive sclerosing poliodystrophy (MTDPS4A). Also called: Mitochondrial DNA depletion syndrome 4A (Alpers type); Alpers Syndrome; ALPERS DIFFUSE DEGENERATION OF CEREBRAL GRAY MATTER WITH HEPATIC CIRRHOSIS; Alpers-Huttenlocher Syndrome; ALPERS PROGRESSIVE INFANTILE POLIODYSTROPHY; NEURONAL DEGENERATION OF CHILDHOOD WITH LIVER DISEASE, PROGRESSIVE. Identifiers: Orphanet 726, MedGen C0205710, MONDO:0008758, OMIM 203700.

Allele frequency attached by ClinVar (database versions not stated): gnomAD exomes 0.00001.
gnomAD v4.1: 7 of 1,611,054 alleles (0.00043%); highest among the groups gnomAD compares: Non-Finnish European, 0.00059%; no homozygotes.

Submission:

Labcorp Genetics (formerly Invitae), Labcorp
Classification: Uncertain significance for Progressive sclerosing poliodystrophy. Last evaluated: 2022-03-26. Review status: criteria provided, single submitter. Criteria: Invitae Variant Classification Sherloc (09022015). Collection method: clinical testing. Allele origin: germline.
Comment: This sequence change replaces serine, which is neutral and polar, with leucine, which is neutral and non-polar, at codon 64 of the POLG protein (p.Ser64Leu). The frequency data for this variant in the population databases is considered unreliable, as metrics indicate poor data quality at this position in the gnomAD database. This missense change has been observed in individual(s) with autosomal recessive Charcot-Marie-Tooth disease (PMID: 18195151). Algorithms developed to predict the effect of missense changes on protein structure and function are either unavailable or do not agree on the potential impact of this missense change (SIFT: "Deleterious"; PolyPhen-2: "Benign"; Align-GVGD: "Class C0"). In summary, the available evidence is currently insufficient to determine the role of this variant in disease. Therefore, it has been classified as a Variant of Uncertain Significance.

Literature cited by the submitters: PubMed 18195151.

NM_002693.3(POLG):c.191C>T (p.Ser64Leu)

Genes: POLG (DNA polymerase gamma, catalytic subunit; minus strand), POLGARF (POLG alternative reading frame; minus strand). Cytogenetic location: 15q26.1.
Variant type: single nucleotide variant.
Coding change: c.191C>T on transcript NM_002693.3 (MANE Select); coding-DNA position 191, C replaced by T.
Protein change: p.Ser64Leu; replaces serine 64 with leucine.
Molecular consequence: missense variant.
Genome position (GRCh38, 1-based): chr15:89,333,564, G>A on the plus strand (C>T on the coding strand, the complement: POLG is on the minus strand). VCF-style: chr15-89333564-G-A. GRCh37 (hg19) VCF-style: chr15-89876795-G-A.
Other names: c.191C>T, p.Ser64Leu (NM_001126131.2); short protein forms S64L.
Identifiers: ClinVar variation 2168844 (VCV002168844.1), dbSNP rs1397887879, ClinGen allele CA393773758.
Genomic context (GRCh38, chr15:89,333,564, plus strand): 5'-TGCAGCCCTCTCGAGAGCATCTGGATGTCCAATGGGTTGTGCCGCAGCTGCCCGCCCTCC[G>A]AGGATAGCACTTGCGGCTGCTGAGGCTGCTGTTGCTGCTGCTGCTGCTGCTGCTGCTGCT-3'
Protein context (NP_002684.1, residues 54-74): QQPQQPQVLS[Ser64Leu]EGGQLRHNPL